The following is an entry in ClinVar:

NM_000463.3(UGT1A1):c.1428C>T (p.Pro476=)

Genes: UGT1A1 (UDP glucuronosyltransferase family 1 member A1; plus strand), UGT1A5 (UDP glucuronosyltransferase family 1 member A5; plus strand), UGT1A6 (UDP glucuronosyltransferase family 1 member A6; plus strand), UGT1A10 (UDP glucuronosyltransferase family 1 member A10; plus strand), UGT1A7 (UDP glucuronosyltransferase family 1 member A7; plus strand) and 5 more. Cytogenetic location: 2q37.1.
Variant type: single nucleotide variant.
Coding change: c.1428C>T on transcript NM_000463.3 (MANE Select); coding-DNA position 1428, C replaced by T.
Protein change: p.Pro476=; no amino-acid change (proline 476 retained).
Molecular consequence: synonymous variant.
Genome position (GRCh38, 1-based): chr2:233,772,385, C>T. VCF-style: chr2-233772385-C-T. GRCh37 (hg19) VCF-style: chr2-234681031-C-T.
Other names: p.Pro476=; c.1419C>T, p.Pro473= (NM_019075.4, NM_019076.5, NM_019077.3 and 1 more transcripts); c.1425C>T, p.Pro475= (NM_001072.4); c.624C>T, p.Pro208= (NM_205862.3); c.1431C>T, p.Pro477= (NM_019078.2, NM_007120.3, NM_019093.4).
Identifiers: ClinVar variation 160235 (VCV000160235.27), dbSNP rs28900406, ClinGen allele CA173862.

ClinVar aggregate classification (germline): Conflicting classifications of pathogenicity. Review status: criteria provided, conflicting classifications (1 of 4 stars). 7 submissions from 5 submitters: Uncertain significance (1); Benign (4); Likely benign (2). Last evaluated 2025-12-11.

Conditions:
Crigler-Najjar syndrome. Identifiers: Orphanet 205, MedGen C5551003, MONDO:0009044.
Lucey-Driscoll syndrome (HBLRTFN). Also called: Transient familial neonatal hyperbilirubinemia. Identifiers: Orphanet 2312, MedGen C0270210, MONDO:0009383, OMIM 237900.
Gilbert syndrome. Also called: Gilbert Disease; HYPERBILIRUBINEMIA, GILBERT TYPE; HYPERBILIRUBINEMIA I; HYPERBILIRUBINEMIA, ARIAS TYPE; Gilbert's syndrome. Identifiers: MedGen C0017551, MONDO:0007745, OMIM 143500.

Allele frequency attached by ClinVar (database versions not stated): gnomAD exomes 0.00038; 1000 Genomes Project 0.00319; 1000 Genomes Project 30x 0.00375; gnomAD 0.00423; ESP Exome Variant Server 0.00446; TOPMed 0.00452.
gnomAD v4.1: 1,213 of 1,614,246 alleles (0.075%); highest among the groups gnomAD compares: African/African-American, 1.4%; 13 homozygotes.

Submissions (7):

Labcorp Genetics (formerly Invitae), Labcorp
Classification: Benign. Last evaluated: 2025-12-11. Review status: criteria provided, single submitter. Criteria: Invitae Variant Classification Sherloc (09022015). Collection method: clinical testing. Allele origin: germline.

Mayo Clinic Laboratories, Mayo Clinic
Classification: Likely benign. Last evaluated: 2025-03-20. Review status: criteria provided, single submitter. Criteria: ACMG Guidelines, 2015. Collection method: clinical testing. Allele origin: germline. Observed: 8 variant alleles.
Comment: BS1, BP4, BP7

ARUP Laboratories, Molecular Genetics and Genomics, ARUP Laboratories
Classification: Benign. Last evaluated: 2024-06-11. Review status: criteria provided, single submitter. Criteria: ARUP Molecular Germline Variant Investigation Process 2024. Collection method: clinical testing. Allele origin: germline.

Illumina Laboratory Services, Illumina
Classification: Benign for Crigler-Najjar syndrome. Last evaluated: 2017-04-28. Review status: criteria provided, single submitter. Criteria: ICSL Variant Classification Criteria 13 December 2019. Collection method: clinical testing. Allele origin: germline.
Comment: This variant was observed as part of a predisposition screen in an ostensibly healthy population. A literature search was performed for the gene, cDNA change, and amino acid change (where applicable). No publications were found based on this search. Allele frequency data from public databases was too high to be consistent with this variant causing disease. Therefore, this variant is classified as benign.

Illumina Laboratory Services, Illumina
Classification: Uncertain significance for Gilbert syndrome. Last evaluated: 2017-04-28. Review status: criteria provided, single submitter. Criteria: ICSL Variant Classification Criteria 13 December 2019. Collection method: clinical testing. Allele origin: germline.

Illumina Laboratory Services, Illumina
Classification: Likely benign for Lucey-Driscoll syndrome. Last evaluated: 2017-04-28. Review status: criteria provided, single submitter. Criteria: ICSL Variant Classification Criteria 13 December 2019. Collection method: clinical testing. Allele origin: germline.
Comment: This variant was observed as part of a predisposition screen in an ostensibly healthy population. A literature search was performed for the gene, cDNA change, and amino acid change (where applicable). No publications were found based on this search. Allele frequency data from public databases allowed determination this variant is unlikely to cause disease. Therefore, this variant is classified as likely benign.

Genetic Services Laboratory, University of Chicago
Classification: Benign. Last evaluated: 2013-03-18. Review status: criteria provided, single submitter. Criteria: ACMG Guidelines, 2007. Collection method: clinical testing. Allele origin: germline. Inheritance: Autosomal recessive inheritance.